The following is an entry in ClinVar:

NM_080732.4(EGLN2):c.706C>T (p.Arg236Cys)

Genes: EGLN2 (egl-9 family hypoxia inducible factor 2; plus strand), RAB4B-EGLN2 (RAB4B-EGLN2 readthrough (NMD candidate); plus strand). Cytogenetic location: 19q13.2.
Variant type: single nucleotide variant.
Coding change: c.706C>T on transcript NM_080732.4 (MANE Select); coding-DNA position 706, C replaced by T.
Protein change: p.Arg236Cys; replaces arginine 236 with cysteine.
Molecular consequence: missense variant. On other transcripts: non-coding transcript variant (1).
Genome position (GRCh38, 1-based): chr19:40,801,278, C>T. VCF-style: chr19-40801278-C-T. GRCh37 (hg19) VCF-style: chr19-41307183-C-T.
Other names: p.Arg236Cys; c.706C>T, p.Arg236Cys (NM_053046.4); short protein forms R236C.
Identifiers: ClinVar variation 1756989 (VCV001756989.4), dbSNP rs973122075, ClinGen allele CA308487435.

ClinVar aggregate classification (germline): Uncertain significance. Review status: criteria provided, multiple submitters, no conflicts (2 of 4 stars). 2 submissions from 2 submitters: Uncertain significance (2). Last evaluated 2024-04-30.

Allele frequency attached by ClinVar (database versions not stated): gnomAD exomes below 0.00001.

Submissions (2):

Ambry Genetics
Classification: Uncertain significance. Last evaluated: 2024-04-30. Review status: criteria provided, single submitter. Criteria: Ambry Variant Classification Scheme 2023. Collection method: clinical testing. Allele origin: germline.
Comment: The p.R236C variant (also known as c.706C>T), located in coding exon 1 of the EGLN2 gene, results from a C to T substitution at nucleotide position 706. The arginine at codon 236 is replaced by cysteine, an amino acid with highly dissimilar properties. This amino acid position is conserved. In addition, the in silico prediction for this alteration is inconclusive. Since supporting evidence is limited at this time, the clinical significance of this alteration remains unclear.

Mayo Clinic Laboratories, Mayo Clinic
Classification: Uncertain significance. Last evaluated: 2023-12-22. Review status: criteria provided, single submitter. Criteria: ACMG Guidelines, 2015. Collection method: clinical testing. Allele origin: germline. Observed: 1 variant allele.
Comment: PP3, PM1